The following is an entry in ClinVar:

NM_002582.4(PARN):c.1414C>T (p.Gln472Ter)

Gene: PARN (poly(A)-specific ribonuclease; minus strand). Cytogenetic location: 16p13.12.
Variant type: single nucleotide variant.
Coding change: c.1414C>T on transcript NM_002582.4 (MANE Select); coding-DNA position 1414, C replaced by T.
Protein change: p.Gln472Ter; replaces glutamine 472 with a stop codon.
Molecular consequence: nonsense.
Genome position (GRCh38, 1-based): chr16:14,552,087, G>A on the plus strand (C>T on the coding strand, the complement: PARN is on the minus strand). VCF-style: chr16-14552087-G-A. GRCh37 (hg19) VCF-style: chr16-14645944-G-A.
Other names: c.1231C>T, p.Gln411Ter (NM_001134477.3); c.1276C>T, p.Gln426Ter (NM_001242992.2); short protein forms Q411*, Q426*, Q472*.
Identifiers: ClinVar variation 1998806 (VCV001998806.4), dbSNP rs751946182, ClinGen allele CA278514598.
Genomic context (GRCh38, chr16:14,552,087, plus strand): 5'-TTACTTGCTCGGGCTGGCTAAGGGAAACAAATGCTGATGTGTCATCAATCCAGGATATCT[G>A]AATGTTACCTGCAATCGCAAATTAAAAGTAAAGTGAACATTTGACCATGTGGAGAGCTAT-3'

ClinVar aggregate classification (germline): Pathogenic (1 of 4 stars; one submission).

Conditions:
Dyskeratosis congenita, autosomal recessive 6 (DKCB6). Identifiers: MedGen C4225356, MONDO:0014600, OMIM 616353.
Pulmonary fibrosis and/or bone marrow failure, Telomere-related, 4. Also called: PULMONARY FIBROSIS AND/OR BONE MARROW FAILURE SYNDROME, TELOMERE-RELATED, 4. Identifiers: Orphanet 2032, MedGen C4225347, MONDO:0014612, OMIM 616371.

Allele frequency attached by ClinVar (database versions not stated): TOPMed 0.00001.

Submission:

Labcorp Genetics (formerly Invitae), Labcorp
Classification: Pathogenic for Dyskeratosis congenita, autosomal recessive 6; Pulmonary fibrosis and/or bone marrow failure, Telomere-related, 4. Last evaluated: 2025-09-30. Review status: criteria provided, single submitter. Criteria: Invitae Variant Classification Sherloc (09022015). Collection method: clinical testing. Allele origin: germline.
Comment: This sequence change creates a premature translational stop signal (p.Gln472*) in the PARN gene. It is expected to result in an absent or disrupted protein product. Loss-of-function variants in PARN are known to be pathogenic (PMID: 9736620, 25848748, 26810774). This variant is not present in population databases (gnomAD no frequency). This variant has not been reported in the literature in individuals affected with PARN-related conditions. ClinVar contains an entry for this variant (Variation ID: 1998806). For these reasons, this variant has been classified as Pathogenic.

Literature cited by the submitters: PubMed 9736620; PubMed 25848748; PubMed 26810774.